The following is an entry in ClinVar:

ClinVar aggregate classification (germline): Uncertain significance. Review status: criteria provided, multiple submitters, no conflicts (2 of 4 stars). 4 submissions from 4 submitters: Uncertain significance (4). Last evaluated 2024-06-18.

Conditions:
Charcot-Marie-Tooth disease type 4. Also called: Charcot-Marie-Tooth disease, type IV; Charcot-Marie-Tooth, Type 4. Identifiers: Orphanet 64749, MedGen C4082197, MONDO:0018995.
Charcot-Marie-Tooth disease type 4B1. Also called: Charcot-Marie-Tooth Neuropathy Type 4B1; CHARCOT-MARIE-TOOTH DISEASE, DEMYELINATING, TYPE 4B1; CHARCOT-MARIE-TOOTH DISEASE, AUTOSOMAL RECESSIVE, WITH FOCALLY FOLDED MYELIN SHEATHS, AUTOSOMAL RECESSIVE, TYPE 4B1; CHARCOT-MARIE-TOOTH DISEASE, TYPE 4B. Identifiers: Orphanet 99955, MedGen C1832399, MONDO:0011066, OMIM 601382.

Allele frequency attached by ClinVar (database versions not stated): TOPMed 0.00001; ExAC 0.00002; gnomAD 0.00002; gnomAD exomes 0.00003.
gnomAD v4.1: 57 of 1,613,160 alleles (0.0035%); highest among the groups gnomAD compares: Non-Finnish European, 0.0045%; no homozygotes.

Submissions (4):

GeneDx
Classification: Uncertain significance. Last evaluated: 2024-06-18. Review status: criteria provided, single submitter. Criteria: GeneDx Variant Classification Process June 2021. Collection method: clinical testing. Allele origin: germline. Affected: yes.
Comment: Not observed at significant frequency in large population cohorts (gnomAD); In silico analysis indicates that this missense variant does not alter protein structure/function; Has not been previously published as pathogenic or benign to our knowledge; This variant is associated with the following publications: (PMID: 23962696)

ARUP Laboratories, Molecular Genetics and Genomics, ARUP Laboratories
Classification: Uncertain significance for Charcot-Marie-Tooth disease type 4B1. Last evaluated: 2023-01-06. Review status: criteria provided, single submitter. Criteria: ARUP Molecular Germline Variant Investigation Process 2024. Collection method: clinical testing. Allele origin: germline.
Comment: The MTMR2 c.356G>A; p.Arg119Gln variant (rs759086106), to our knowledge, is not reported in the medical literature but is reported in ClinVar (Variation ID: 197307). This variant is observed in the general population with an overall allele frequency of 0.003% (9/281636 alleles) in the Genome Aggregation Database. Computational analyses are uncertain whether this variant is neutral or deleterious (REVEL: 0.337). Due to limited information, the clinical significance of this variant is uncertain at this time.

Labcorp Genetics (formerly Invitae), Labcorp
Classification: Uncertain significance for Charcot-Marie-Tooth disease type 4. Last evaluated: 2021-08-20. Review status: criteria provided, single submitter. Criteria: Invitae Variant Classification Sherloc (09022015). Collection method: clinical testing. Allele origin: germline.
Comment: This sequence change replaces arginine with glutamine at codon 119 of the MTMR2 protein (p.Arg119Gln). The arginine residue is moderately conserved and there is a small physicochemical difference between arginine and glutamine. This variant is present in population databases (rs759086106, ExAC 0.003%). This variant has not been reported in the literature in individuals affected with MTMR2-related conditions. ClinVar contains an entry for this variant (Variation ID: 197307). Algorithms developed to predict the effect of missense changes on protein structure and function output the following: SIFT: "Tolerated"; PolyPhen-2: "Benign"; Align-GVGD: "Class C0". The glutamine amino acid residue is found in multiple mammalian species, which suggests that this missense change does not adversely affect protein function. Algorithms developed to predict the effect of sequence changes on RNA splicing suggest that this variant is not likely to affect RNA splicing. In summary, the available evidence is currently insufficient to determine the role of this variant in disease. Therefore, it has been classified as a Variant of Uncertain Significance.

Eurofins Ntd Llc (ga)
Classification: Uncertain significance. Last evaluated: 2015-02-27. Review status: criteria provided, single submitter. Criteria: EGL Classification Definitions 2015. Collection method: clinical testing. Allele origin: germline. Observed: 1 variant allele, 1 heterozygote.

NM_016156.6(MTMR2):c.356G>A (p.Arg119Gln)

Gene: MTMR2 (myotubularin related protein 2; minus strand). Cytogenetic location: 11q21.
Variant type: single nucleotide variant.
Coding change: c.356G>A on transcript NM_016156.6 (MANE Select); coding-DNA position 356, G replaced by A.
Protein change: p.Arg119Gln; replaces arginine 119 with glutamine.
Molecular consequence: missense variant.
Genome position (GRCh38, 1-based): chr11:95,862,273, C>T on the plus strand (G>A on the coding strand, the complement: MTMR2 is on the minus strand). VCF-style: chr11-95862273-C-T. GRCh37 (hg19) VCF-style: chr11-95595437-C-T.
Other names: c.140G>A, p.Arg47Gln (NM_001243571.2, NM_201278.3, NM_201281.3); short protein forms R119Q, R47Q.
Identifiers: ClinVar variation 197307 (VCV000197307.13), dbSNP rs759086106, ClinGen allele CA245355.